The following is an entry in ClinVar:

ClinVar aggregate classification (germline): Uncertain significance (1 of 4 stars; one submission).

Conditions:
Inborn genetic diseases. Identifiers: MedGen C0950123, MeSH D030342.

Allele frequency attached by ClinVar (database versions not stated): ExAC 0.00002; TOPMed 0.00009; gnomAD exomes 0.00001; 1000 Genomes Project 30x 0.00031; 1000 Genomes Project 0.00020; gnomAD 0.00008.
gnomAD v4.1: 29 of 1,611,682 alleles (0.0018%); highest among the groups gnomAD compares: African/African-American, 0.032%; no homozygotes.

Submission:

Ambry Genetics
Classification: Uncertain significance for Inborn genetic diseases. Last evaluated: 2025-06-03. Review status: criteria provided, single submitter. Criteria: Ambry Variant Classification Scheme 2023. Collection method: clinical testing. Allele origin: germline.
Comment: The c.2339G>A (p.G780E) alteration is located in exon 15 (coding exon 15) of the ROBO3 gene. This alteration results from a G to A substitution at nucleotide position 2339, causing the glycine (G) at amino acid position 780 to be replaced by a glutamic acid (E). Based on data from gnomAD, the A allele has an overall frequency of <0.01% (10/277094) total alleles studied. The highest observed frequency was 0.03% (8/24006) of African alleles. This amino acid position is not well conserved in available vertebrate species. This alteration is predicted to be tolerated by in silico analysis. Based on insufficient or conflicting evidence, the clinical significance of this alteration remains unclear.

NM_022370.4(ROBO3):c.2339G>A (p.Gly780Glu)

Gene: ROBO3 (roundabout guidance receptor 3; plus strand). Cytogenetic location: 11q24.2.
Variant type: single nucleotide variant.
Coding change: c.2339G>A on transcript NM_022370.4 (MANE Select); coding-DNA position 2339, G replaced by A.
Protein change: p.Gly780Glu; replaces glycine 780 with glutamic acid.
Molecular consequence: missense variant.
Genome position (GRCh38, 1-based): chr11:124,875,603, G>A. VCF-style: chr11-124875603-G-A. GRCh37 (hg19) VCF-style: chr11-124745499-G-A.
Other names: short protein forms G780E.
Identifiers: ClinVar variation 2271248 (VCV002271248.3), dbSNP rs536935563, ClinGen allele CA6343770.